The following is an entry in ClinVar:

NM_014915.3(ANKRD26):c.365A>G (p.Gln122Arg)

Gene: ANKRD26 (ankyrin repeat domain containing 26; minus strand). Cytogenetic location: 10p12.1.
Variant type: single nucleotide variant.
Coding change: c.365A>G on transcript NM_014915.3 (MANE Select); coding-DNA position 365, A replaced by G.
Protein change: p.Gln122Arg; replaces glutamine 122 with arginine.
Molecular consequence: missense variant.
Genome position (GRCh38, 1-based): chr10:27,093,515, T>C on the plus strand (A>G on the coding strand, the complement: ANKRD26 is on the minus strand). VCF-style: chr10-27093515-T-C. GRCh37 (hg19) VCF-style: chr10-27382444-T-C.
Other names: c.365A>G, p.Gln122Arg (NM_001256053.2); short protein forms Q122R.
Identifiers: ClinVar variation 3397263 (VCV003397263.1).

ClinVar aggregate classification (germline): Uncertain significance (1 of 4 stars; one submission).

Conditions:
Inborn genetic diseases. Identifiers: MedGen C0950123, MeSH D030342.

gnomAD v4.1: 1 of 1,614,198 alleles (0.000062%); highest among the groups gnomAD compares: Non-Finnish European, 0.000085%; no homozygotes.

Submission:

Ambry Genetics
Classification: Uncertain significance for Inborn genetic diseases. Last evaluated: 2024-12-08. Review status: criteria provided, single submitter. Criteria: Ambry Variant Classification Scheme 2023. Collection method: clinical testing. Allele origin: germline.
Comment: The p.Q122R variant (also known as c.365A>G), located in coding exon 3 of the ANKRD26 gene, results from an A to G substitution at nucleotide position 365. The glutamine at codon 122 is replaced by arginine, an amino acid with highly similar properties. This amino acid position is conserved. In addition, this alteration is predicted to be tolerated by in silico analysis. Based on the available evidence, the clinical significance of this variant remains unclear.